The following is an entry in ClinVar:

NM_176787.5(PIGN):c.2230A>G (p.Ile744Val)

Gene: PIGN (phosphatidylinositol glycan anchor biosynthesis class N; minus strand). Cytogenetic location: 18q21.33.
Variant type: single nucleotide variant.
Coding change: c.2230A>G on transcript NM_176787.5 (MANE Select); coding-DNA position 2230, A replaced by G.
Protein change: p.Ile744Val; replaces isoleucine 744 with valine.
Molecular consequence: missense variant.
Genome position (GRCh38, 1-based): chr18:62,090,529, T>C on the plus strand (A>G on the coding strand, the complement: PIGN is on the minus strand). VCF-style: chr18-62090529-T-C. GRCh37 (hg19) VCF-style: chr18-59757762-T-C.
Other names: c.2230A>G, p.Ile744Val (NM_012327.6); short protein forms I744V.
Identifiers: ClinVar variation 581131 (VCV000581131.7), dbSNP rs374860427, ClinGen allele CA8982036.
Genomic context (GRCh38, chr18:62,090,529, plus strand): 5'-CAGCTACCTTTTGTTTACAGCAAACACCAGATTGTTGTAGAGTTTCTTGTTCTATGTTTA[T>C]CCAGACAAACATCAAACAAGACAACACTAGTGGAAAGAGAGCTTCATACCTAACAGGTGG-3'
Protein context (NP_789744.1, residues 734-754): LVLSCLMFVW[Ile744Val]NIEQETLQQS

ClinVar aggregate classification (germline): Uncertain significance. Review status: criteria provided, multiple submitters, no conflicts (2 of 4 stars). 2 submissions from 2 submitters: Uncertain significance (2). Last evaluated 2022-06-22.

Conditions:
Multiple congenital anomalies-hypotonia-seizures syndrome 1 (MCAHS1). Also called: Congenital disorder of glycosylation due to PIGN deficiency; PIGN-CDG; GLYCOSYLPHOSPHATIDYLINOSITOL BIOSYNTHESIS DEFECT 3. Identifiers: Orphanet 280633, MedGen C3279775, MONDO:0013563, OMIM 614080.

Allele frequency attached by ClinVar (database versions not stated): gnomAD exomes below 0.00001 and 0.00002; ExAC 0.00002; ESP Exome Variant Server 0.00017.
gnomAD v4.1: 22 of 1,611,464 alleles (0.0014%); highest among the groups gnomAD compares: Non-Finnish European, 0.0019%; no homozygotes.

Submissions (2):

GeneDx
Classification: Uncertain significance. Last evaluated: 2022-06-22. Review status: criteria provided, single submitter. Criteria: GeneDx Variant Classification Process June 2021. Collection method: clinical testing. Allele origin: germline. Affected: yes.
Comment: Not observed at significant frequency in large population cohorts (gnomAD); In silico analysis supports that this missense variant does not alter protein structure/function; Has not been previously published as pathogenic or benign to our knowledge

Labcorp Genetics (formerly Invitae), Labcorp
Classification: Uncertain significance for Multiple congenital anomalies-hypotonia-seizures syndrome 1. Last evaluated: 2021-08-31. Review status: criteria provided, single submitter. Criteria: Invitae Variant Classification Sherloc (09022015). Collection method: clinical testing. Allele origin: germline.
Comment: This sequence change replaces isoleucine with valine at codon 744 of the PIGN protein (p.Ile744Val). The isoleucine residue is moderately conserved and there is a small physicochemical difference between isoleucine and valine. This variant is present in population databases (rs374860427, ExAC 0.003%). This variant has not been reported in the literature in individuals affected with PIGN-related conditions. Algorithms developed to predict the effect of missense changes on protein structure and function (SIFT, PolyPhen-2, Align-GVGD) all suggest that this variant is likely to be tolerated. Algorithms developed to predict the effect of sequence changes on RNA splicing suggest that this variant may create or strengthen a splice site. In summary, the available evidence is currently insufficient to determine the role of this variant in disease. Therefore, it has been classified as a Variant of Uncertain Significance.